The following is an entry in ClinVar:

NM_018706.7(DHTKD1):c.1043T>C (p.Leu348Pro)

Gene: DHTKD1 (dehydrogenase E1 and transketolase domain containing 1; plus strand). Cytogenetic location: 10p14.
Variant type: single nucleotide variant.
Coding change: c.1043T>C on transcript NM_018706.7 (MANE Select); coding-DNA position 1043, T replaced by C.
Protein change: p.Leu348Pro; replaces leucine 348 with proline.
Molecular consequence: missense variant.
Genome position (GRCh38, 1-based): chr10:12,091,568, T>C. VCF-style: chr10-12091568-T-C. GRCh37 (hg19) VCF-style: chr10-12133567-T-C.
Other names: short protein forms L348P.
Identifiers: ClinVar variation 4809537 (VCV004809537.1).

ClinVar aggregate classification (germline): Uncertain significance (1 of 4 stars; one submission).

Conditions:
2-aminoadipic 2-oxoadipic aciduria (AAKAD). Also called: Aminoadipic aciduria; ALPHA-AMINOADIPIC AND ALPHA-KETOADIPIC ACIDURIA. Identifiers: Orphanet 79154, MedGen C1859817, MONDO:0008774, OMIM 204750.

gnomAD v4.1: 4 of 1,613,104 alleles (0.00025%); highest among the groups gnomAD compares: Non-Finnish European, 0.00034%; no homozygotes.

Submission:

Labcorp Genetics (formerly Invitae), Labcorp
Classification: Uncertain significance for 2-aminoadipic 2-oxoadipic aciduria. Last evaluated: 2025-12-09. Review status: criteria provided, single submitter. Criteria: Invitae Variant Classification Sherloc (09022015). Collection method: clinical testing. Allele origin: germline.
Comment: This sequence change replaces leucine, which is neutral and non-polar, with proline, which is neutral and non-polar, at codon 348 of the DHTKD1 protein (p.Leu348Pro). This variant is not present in population databases (gnomAD no frequency). This variant has not been reported in the literature in individuals affected with DHTKD1-related conditions. Invitae Evidence Modeling of protein sequence and biophysical properties (such as structural, functional, and spatial information, amino acid conservation, physicochemical variation, residue mobility, and thermodynamic stability) indicates that this missense variant is expected to disrupt DHTKD1 protein function with a positive predictive value of 80%. In summary, the available evidence is currently insufficient to determine the role of this variant in disease. Therefore, it has been classified as a Variant of Uncertain Significance.